The following is an entry in ClinVar:

NM_201599.3(ZMYM3):c.1693A>T (p.Thr565Ser)

Gene: ZMYM3 (zinc finger MYM-type containing 3; minus strand). Cytogenetic location: Xq13.1.
Variant type: single nucleotide variant.
Coding change: c.1693A>T on transcript NM_201599.3 (MANE Select); coding-DNA position 1693, A replaced by T.
Protein change: p.Thr565Ser; replaces threonine 565 with serine.
Molecular consequence: missense variant.
Genome position (GRCh38, 1-based): chrX:71,248,730, T>A on the plus strand (A>T on the coding strand, the complement: ZMYM3 is on the minus strand). VCF-style: chrX-71248730-T-A. GRCh37 (hg19) VCF-style: chrX-70468580-T-A.
Other names: c.1693A>T, p.Thr565Ser (NM_001171162.1, NM_005096.3); short protein forms T565S.
Identifiers: ClinVar variation 2477734 (VCV002477734.3), dbSNP rs867518320, ClinGen allele CA331007837.

ClinVar aggregate classification (germline): Uncertain significance (1 of 4 stars; one submission).

Conditions:
Inborn genetic diseases. Identifiers: MedGen C0950123, MeSH D030342.

Allele frequency attached by ClinVar (database versions not stated): gnomAD 0.00005; gnomAD exomes 0.00001; TOPMed 0.00002.
gnomAD v4.1: 9 of 1,206,042 alleles (0.00075%); highest among the groups gnomAD compares: African/African-American, 0.016%; no homozygotes.

Submission:

Ambry Genetics
Classification: Uncertain significance for Inborn genetic diseases. Last evaluated: 2026-07-19. Review status: criteria provided, single submitter. Criteria: Ambry Variant Classification Scheme 2023. Collection method: clinical testing. Allele origin: germline.
Comment: The c.1693A>T (p.T565S) alteration is located in exon 9 (coding exon 8) of the ZMYM3 gene. This alteration results from a A to T substitution at nucleotide position 1693, causing the threonine (T) at amino acid position 565 to be replaced by a serine (S). Based on data from gnomAD, the T allele has an overall frequency of 0.005% (1/21775) total alleles studied. The highest observed frequency was 0.017% (1/5865) of African alleles. Based on insufficient or conflicting evidence, the clinical significance of this alteration remains unclear.